The following is an entry in ClinVar:

ClinVar aggregate classification (germline): Pathogenic (1 of 4 stars; one submission).
ClinVar aggregate classification (somatic clinical impact): Tier II - Potential (1 of 4 stars; one submission).

Conditions:
Medulloblastoma WNT activated. Identifiers: MedGen C4331965, MONDO:0850196.

Allele frequency attached by ClinVar (database versions not stated): gnomAD exomes below 0.00001.

Submissions (2):

GeneDx
Classification: Pathogenic. Last evaluated: 2025-12-26. Review status: criteria provided, single submitter. Criteria: GeneDx Variant Classification Process June 2021. Collection method: clinical testing. Allele origin: germline. Affected: yes.
Comment: Nonsense variant predicted to result in protein truncation or nonsense mediated decay in a gene for which loss of function is a known mechanism of disease; Not observed at significant frequency in large population cohorts (gnomAD); Has not been previously reported as pathogenic or benign to our knowledge; This variant is associated with the following publications: (PMID: 29736783)

Institute for Genomic Medicine (IGM) Clinical Laboratory, Nationwide Children's Hospital
Classification: Tier II - Potential for Medulloblastoma WNT activated. Assertion type: diagnostic. Clinical significance: supports diagnosis. Last evaluated: 2023-02-14. Review status: criteria provided, single submitter. Criteria: AMP/ASCO/CAP Guidelines, 2017. Collection method: clinical testing. Allele origin: somatic. Affected: yes.
Comment: Variant has Tier II (potential) clinical significance as a diagnostic inclusion criterion in medulloblastoma WNT activated, based on the following evidence: 1) Documented in one or more cancer databases (e.g., St. Jude Pecan, COSMIC, CIViC, OncoKB). 2) Information in the literature supports potential biologic effect of variant. 3) Diagnostic significance based on multiple small studies (Evidence Level C; PMIDs: 21163964, 28726821, 22820256, 22980975).

Literature cited by the submitters: PubMed 21163964 (cited by Institute for Genomic Medicine (IGM) Clinical Laboratory, Nationwide Children's Hospital); PubMed 28726821 (cited by Institute for Genomic Medicine (IGM) Clinical Laboratory, Nationwide Children's Hospital); PubMed 22820256 (cited by Institute for Genomic Medicine (IGM) Clinical Laboratory, Nationwide Children's Hospital); PubMed 22980975 (cited by Institute for Genomic Medicine (IGM) Clinical Laboratory, Nationwide Children's Hospital).

NM_170606.3(KMT2C):c.3709C>T (p.Arg1237Ter)

Gene: KMT2C (lysine methyltransferase 2C; minus strand). Cytogenetic location: 7q36.1.
Variant type: single nucleotide variant.
Coding change: c.3709C>T on transcript NM_170606.3 (MANE Select); coding-DNA position 3709, C replaced by T.
Protein change: p.Arg1237Ter; replaces arginine 1237 with a stop codon.
Molecular consequence: nonsense.
Genome position (GRCh38, 1-based): chr7:152,220,526, G>A on the plus strand (C>T on the coding strand, the complement: KMT2C is on the minus strand). VCF-style: chr7-152220526-G-A. GRCh37 (hg19) VCF-style: chr7-151917611-G-A.
Other names: short protein forms R1237*.
Identifiers: ClinVar variation 1300598 (VCV001300598.4), dbSNP rs938655561, ClinGen allele CA370108685.